The following is an entry in ClinVar:

ClinVar aggregate classification (germline): Conflicting classifications of pathogenicity. Review status: criteria provided, conflicting classifications (1 of 4 stars). 2 submissions from 2 submitters: Uncertain significance (1); Likely benign (1). Last evaluated 2025-10-21.

Allele frequency attached by ClinVar (database versions not stated): ESP Exome Variant Server 0.00008; TOPMed 0.00015; gnomAD exomes 0.00003 and 0.00008; ExAC 0.00009; gnomAD 0.00011.
gnomAD v4.1: 76 of 1,609,848 alleles (0.0047%); highest among the groups gnomAD compares: Admixed American, 0.042%; no homozygotes.

Submissions (2):

Labcorp Genetics (formerly Invitae), Labcorp
Classification: Likely benign. Last evaluated: 2025-10-21. Review status: criteria provided, single submitter. Criteria: Invitae Variant Classification Sherloc (09022015). Collection method: clinical testing. Allele origin: germline.

Laboratorio de Genetica e Diagnostico Molecular, Hospital Israelita Albert Einstein
Classification: Uncertain significance. Last evaluated: 2019-09-23. Review status: criteria provided, single submitter. Criteria: ACMG Guidelines, 2015. Collection method: clinical testing. Allele origin: germline. Affected: yes.
Comment: ACMG classification criteria: PM2

NM_019096.5(GTPBP2):c.881-18G>A

Gene: GTPBP2 (GTP binding protein 2; minus strand). Cytogenetic location: 6p21.1.
Variant type: single nucleotide variant.
Coding change: c.881-18G>A on transcript NM_019096.5 (MANE Select); 18 bases into the intron before coding-DNA position 881, G replaced by A.
Molecular consequence: intron variant.
Genome position (GRCh38, 1-based): chr6:43,624,747, C>T on the plus strand (G>A on the coding strand, the complement: GTPBP2 is on the minus strand). VCF-style: chr6-43624747-C-T. GRCh37 (hg19) VCF-style: chr6-43592484-C-T.
Other names: c.617-18G>A (NM_001286216.2).
Identifiers: ClinVar variation 1690687 (VCV001690687.5), dbSNP rs377499258, ClinGen allele CA3827675.